The following is an entry in ClinVar:

NM_001563.4(IMPG1):c.2165_2170del (p.Leu722_Gly724delinsArg)

Gene: IMPG1 (interphotoreceptor matrix proteoglycan 1; minus strand). Cytogenetic location: 6q14.1.
Variant type: Deletion.
Coding change: c.2165_2170del on transcript NM_001563.4 (MANE Select); coding-DNA positions 2165 to 2170, 6 bases deleted (TGGACG; older notation c.2165_2170delTGGACG).
Protein change: p.Leu722_Gly724delinsArg.
Molecular consequence: inframe indel.
Genome position (GRCh38, 1-based): chr6:75,931,026-75,931,031, CGTCCA deleted on the plus strand (TGGACG on the coding strand, the reverse complement: IMPG1 is on the minus strand). VCF-style (leftmost placement, unchanged base first): chr6-75931025-CCGTCCA-C. GRCh37 (hg19) VCF-style: chr6-76640742-CCGTCCA-C.
Other names: c.1931_1936del, p.Leu644_Gly646delinsArg (NM_001282368.2).
Identifiers: ClinVar variation 1375943 (VCV001375943.6), dbSNP rs1781659285, ClinGen allele CA1090678273.

ClinVar aggregate classification (germline): Uncertain significance (1 of 4 stars; one submission).

Allele frequency attached by ClinVar (database versions not stated): gnomAD 0.00002; TOPMed 0.00002.

Submission:

Labcorp Genetics (formerly Invitae), Labcorp
Classification: Uncertain significance. Last evaluated: 2022-12-02. Review status: criteria provided, single submitter. Criteria: Invitae Variant Classification Sherloc (09022015). Collection method: clinical testing. Allele origin: germline.
Comment: In summary, the available evidence is currently insufficient to determine the role of this variant in disease. Therefore, it has been classified as a Variant of Uncertain Significance. Experimental studies and prediction algorithms are not available or were not evaluated, and the functional significance of this variant is currently unknown. ClinVar contains an entry for this variant (Variation ID: 1375943). This variant has not been reported in the literature in individuals affected with IMPG1-related conditions. This variant is not present in population databases (gnomAD no frequency). This variant, c.2165_2170del, is a complex sequence change that results in the deletion of 3 and insertion of 1 amino acid(s) in the IMPG1 protein (p.Leu722_Gly724delinsArg).